The following is an entry in ClinVar:

NM_001384732.1(CPLANE1):c.8594G>A (p.Ser2865Asn)

Gene: CPLANE1 (ciliogenesis and planar polarity effector complex subunit 1; minus strand). Cytogenetic location: 5p13.2.
Variant type: single nucleotide variant.
Coding change: c.8594G>A on transcript NM_001384732.1 (MANE Select); coding-DNA position 8594, G replaced by A.
Protein change: p.Ser2865Asn; replaces serine 2865 with asparagine.
Molecular consequence: missense variant.
Genome position (GRCh38, 1-based): chr5:37,142,348, C>T on the plus strand (G>A on the coding strand, the complement: CPLANE1 is on the minus strand). VCF-style: chr5-37142348-C-T. GRCh37 (hg19) VCF-style: chr5-37142450-C-T.
Other names: c.8432G>A, p.Ser2811Asn (NM_023073.4); short protein forms S2811N, S2865N.
Identifiers: ClinVar variation 957534 (VCV000957534.10), dbSNP rs752341833, ClinGen allele CA3237746.
Genomic context (GRCh38, chr5:37,142,348, plus strand): 5'-ATGAAAAAGTAAAGAACAATACCAGGAGAAGTAGTATTCTGATCACTGGAACTGGAAAGG[C>T]TGACAGCTGAATCGGCAGTAGGAAACACACAGGTTTTCTGACCAGAATAATTTTCTGTTA-3'
Protein context (NP_001371661.1, residues 2855-2875): CVFPTADSAV[Ser2865Asn]LSSSSDQNTT

ClinVar aggregate classification (germline): Uncertain significance. Review status: criteria provided, multiple submitters, no conflicts (2 of 4 stars). 3 submissions from 3 submitters: Uncertain significance (3). Last evaluated 2021-12-03.

Conditions:
Orofaciodigital syndrome type 6 (OFD6). Also called: Oral-facial-digital syndrome type 6; Central polydactyly cleft lip/palate or lingual lump and psychomotor retardation; Y-shaped central metacarpal and cerebellar defect; Joubert syndrome with orofacialdigital anomalies; OROFACIODIGITAL SYNDROME VI; OFDS VI. Identifiers: Orphanet 2754, MedGen C2745997, MONDO:0010176, OMIM 277170.
Joubert syndrome 17 (JBTS17). Identifiers: Orphanet 475, MedGen C3553264, MONDO:0013824, OMIM 614615.

Allele frequency attached by ClinVar (database versions not stated): ExAC 0.00002; gnomAD 0.00003; TOPMed 0.00003; gnomAD exomes 0.00004 and 0.00007.
gnomAD v4.1: 108 of 1,606,836 alleles (0.0067%); highest among the groups gnomAD compares: Non-Finnish European, 0.0091%; no homozygotes.

Submissions (3):

Fulgent Genetics
Classification: Uncertain significance for Orofaciodigital syndrome type 6; Joubert syndrome 17. Last evaluated: 2021-12-03. Review status: criteria provided, single submitter. Criteria: ACMG Guidelines, 2015. Collection method: clinical testing. Allele origin: unknown.

Labcorp Genetics (formerly Invitae), Labcorp
Classification: Uncertain significance. Last evaluated: 2019-09-01. Review status: criteria provided, single submitter. Criteria: Invitae Variant Classification Sherloc (09022015). Collection method: clinical testing. Allele origin: germline.
Comment: In summary, the available evidence is currently insufficient to determine the role of this variant in disease. Therefore, it has been classified as a Variant of Uncertain Significance. This sequence change replaces serine with asparagine at codon 2811 of the CPLANE1 protein (p.Ser2811Asn). The serine residue is moderately conserved and there is a small physicochemical difference between serine and asparagine. This variant is present in population databases (rs752341833, ExAC 0.003%). This variant has not been reported in the literature in individuals with CPLANE1-related conditions. Algorithms developed to predict the effect of missense changes on protein structure and function output the following: SIFT: "Tolerated"; PolyPhen-2: "Possibly Damaging"; Align-GVGD: "Class C0". The asparagine amino acid residue is found in multiple mammalian species, suggesting that this missense change does not adversely affect protein function. These predictions have not been confirmed by published functional studies and their clinical significance is uncertain.

Breakthrough Genomics
Classification: Uncertain significance. Review status: criteria provided, single submitter. Criteria: ACMG Guidelines, 2015. Collection method: not provided. Allele origin: germline. Inheritance: Autosomal recessive inheritance. Affected: yes.